The following is an entry in ClinVar:

NM_032043.3(BRIP1):c.2575+6dup

Gene: BRIP1 (BRCA1 interacting DNA helicase 1; minus strand). Cytogenetic location: 17q23.2.
Variant type: Duplication.
Coding change: c.2575+6dup on transcript NM_032043.3 (MANE Select); 6 bases into the intron after coding-DNA position 2575, one base duplicated (A; older notation c.2575+6dupA).
Molecular consequence: intron variant.
Genome position (GRCh38, 1-based): chr17:61,693,424, T duplicated on the plus strand (A on the coding strand, the reverse complement: BRIP1 is on the minus strand). VCF-style (leftmost placement, unchanged base first): chr17-61693423-A-AT. GRCh37 (hg19) VCF-style: chr17-59770784-A-AT.
Identifiers: ClinVar variation 3379202 (VCV003379202.1).

ClinVar aggregate classification (germline): Likely benign (1 of 4 stars; one submission).

Conditions:
Familial cancer of breast. Also called: hereditary breast carcinoma; Hereditary breast cancer; BREAST CANCER, FAMILIAL. Identifiers: Orphanet 227535, MedGen C0346153, MONDO:0016419, OMIM 114480. Disease mechanism: loss of function.

Submission:

Myriad Genetics, Inc.
Classification: Likely benign for Familial cancer of breast. Last evaluated: 2024-09-05. Review status: criteria provided, single submitter. Criteria: Myriad Autosomal Dominant, Autosomal Recessive and X-Linked Classification Criteria (2023). Collection method: clinical testing. Allele origin: unknown.
Comment: This variant is considered likely benign. This variant is intronic and is not expected to impact mRNA splicing.